The following is an entry in ClinVar:

NM_013450.4(BAZ2B):c.1013A>G (p.His338Arg)

Genes: BAZ2B (bromodomain adjacent to zinc finger domain 2B; minus strand), LOC126806391 (MED14-independent group 3 enhancer GRCh37_chr2:160294250-160295449; plus strand). Cytogenetic location: 2q24.2.
Variant type: single nucleotide variant.
Coding change: c.1013A>G on transcript NM_013450.4 (MANE Select); coding-DNA position 1013, A replaced by G.
Protein change: p.His338Arg; replaces histidine 338 with arginine.
Molecular consequence: missense variant.
Genome position (GRCh38, 1-based): chr2:159,438,583, T>C on the plus strand (A>G on the coding strand, the complement: BAZ2B is on the minus strand). VCF-style: chr2-159438583-T-C. GRCh37 (hg19) VCF-style: chr2-160295094-T-C.
Other names: c.1007A>G, p.His336Arg (NM_001289975.1); c.824A>G, p.His275Arg (NM_001329857.2); c.1013A>G, p.His338Arg (NM_001329858.2); short protein forms H275R, H336R, H338R.
Identifiers: ClinVar variation 3898416 (VCV003898416.7).
Genomic context (GRCh38, chr2:159,438,583, plus strand): 5'-AAAATAAATGGAAGCTGCTGTGACAAAACCTGAGGCTGCTTCTGCTGGGATTGGAATGAG[T>C]GAGTCTGGGATTCAGACGCAAGAGGTAATGGCTGGTGTATTCTTTTTTCCTGGGCTTTTT-3'
Protein context (NP_038478.2, residues 328-348): PLPLASESQT[His338Arg]SFQSQQKQPQ

ClinVar aggregate classification (germline): Uncertain significance (1 of 4 stars; one submission).

gnomAD v4.1: 5 of 1,614,142 alleles (0.00031%); highest among the groups gnomAD compares: Admixed American, 0.0017%; no homozygotes.

Submission:

CeGaT Center for Human Genetics Tuebingen
Classification: Uncertain significance. Last evaluated: 2025-04-01. Review status: criteria provided, single submitter. Criteria: CeGaT Center For Human Genetics Tuebingen Variant Classification Criteria Version 2. Collection method: clinical testing. Allele origin: germline. Affected: yes. Observed: 1 variant allele.
Comment: BAZ2B: PM2